The following is an entry in ClinVar:

ClinVar aggregate classification (germline): Uncertain significance. Review status: criteria provided, multiple submitters, no conflicts (2 of 4 stars). 2 submissions from 2 submitters: Uncertain significance (2). Last evaluated 2023-06-28.

Allele frequency attached by ClinVar (database versions not stated): gnomAD 0.00001; gnomAD exomes 0.00001; ExAC 0.00005.
gnomAD v4.1: 20 of 1,612,378 alleles (0.0012%); highest among the groups gnomAD compares: Admixed American, 0.0033%; no homozygotes.

Submissions (2):

Mayo Clinic Laboratories, Mayo Clinic
Classification: Uncertain significance. Last evaluated: 2023-06-28. Review status: criteria provided, single submitter. Criteria: ACMG Guidelines, 2015. Collection method: clinical testing. Allele origin: germline. Observed: 1 variant allele.
Comment: BP4_strong, PM2_moderate

Revvity Omics, Revvity
Classification: Uncertain significance. Last evaluated: 2023-04-12. Review status: criteria provided, single submitter. Criteria: ACMG Guidelines, 2015. Collection method: clinical testing. Allele origin: germline.

NM_003126.4(SPTA1):c.4995C>A (p.Asp1665Glu)

Gene: SPTA1 (spectrin alpha, erythrocytic 1; minus strand). Cytogenetic location: 1q23.1.
Variant type: single nucleotide variant.
Coding change: c.4995C>A on transcript NM_003126.4 (MANE Select); coding-DNA position 4995, C replaced by A.
Protein change: p.Asp1665Glu; replaces aspartic acid 1665 with glutamic acid.
Molecular consequence: missense variant.
Genome position (GRCh38, 1-based): chr1:158,638,227, G>T on the plus strand (C>A on the coding strand, the complement: SPTA1 is on the minus strand). VCF-style: chr1-158638227-G-T. GRCh37 (hg19) VCF-style: chr1-158608017-G-T.
Other names: p.Asp1665Glu; short protein forms D1665E.
Identifiers: ClinVar variation 2690089 (VCV002690089.3), dbSNP rs761286351, ClinGen allele CA1182450.